The following is an entry in ClinVar:

ClinVar aggregate classification (germline): Uncertain significance (1 of 4 stars; one submission).

Conditions:
KLHL20-related condition.

Submission:

PreventionGenetics, part of Exact Sciences
Classification: Uncertain significance for KLHL20-related condition. Last evaluated: 2025-01-16. Review status: criteria provided, single submitter. Criteria: ACMG Guidelines, 2015. Collection method: clinical testing. Allele origin: germline.
Comment: The KLHL20 c.914G>A variant is predicted to result in the amino acid substitution p.Gly305Glu. To our knowledge, this variant has not been reported in the literature or in a large population database (gnomAD), indicating this variant is rare. At this time, the clinical significance of this variant is uncertain due to the absence of conclusive functional and genetic evidence.

NM_014458.4(KLHL20):c.914G>A (p.Gly305Glu)

Gene: KLHL20 (kelch like family member 20; plus strand). Cytogenetic location: 1q25.1.
Variant type: single nucleotide variant.
Coding change: c.914G>A on transcript NM_014458.4 (MANE Select); coding-DNA position 914, G replaced by A.
Protein change: p.Gly305Glu; replaces glycine 305 with glutamic acid.
Molecular consequence: missense variant.
Genome position (GRCh38, 1-based): chr1:173,755,985, G>A. VCF-style: chr1-173755985-G-A. GRCh37 (hg19) VCF-style: chr1-173725124-G-A.
Other names: short protein forms G305E.
Identifiers: ClinVar variation 5000155 (VCV005000155.1).
Genomic context (GRCh38, chr1:173,755,985, plus strand): 5'-ACTTGGTAGATGAGGCTAAAAACTACCTCCTATTGCCGCAAGAACGACCACTAATGCAAG[G>A]ACCAAGGACGAGACCACGGAAACCTATCCGATGTGGGGAAGTACTCTTTGCAGGTTTGGA-3'
Protein context (NP_055273.2, residues 295-315): LLPQERPLMQ[Gly305Glu]PRTRPRKPIR